The following is an entry in ClinVar:

ClinVar aggregate classification (germline): Pathogenic (1 of 4 stars; one submission).

Conditions:
Cerebral cavernous malformation (CCM). Also called: CAVERNOUS ANGIOMA, FAMILIAL; CAVERNOUS ANGIOMATOUS MALFORMATIONS; CEREBRAL CAPILLARY MALFORMATIONS; Cerebral cavernous hemangioma (type); Cavernous Hemangioma of Brain; Cerebral cavernous malformations. Identifiers: Orphanet 221061, MedGen C2919945, MONDO:0000820, OMIM 116860, HP:0033522.

Submission:

Labcorp Genetics (formerly Invitae), Labcorp
Classification: Pathogenic for Cerebral cavernous malformation. Last evaluated: 2019-11-03. Review status: criteria provided, single submitter. Criteria: Invitae Variant Classification Sherloc (09022015). Collection method: clinical testing. Allele origin: germline.
Comment: This sequence change affects an acceptor splice site in intron 17 of the KRIT1 gene. It is expected to disrupt RNA splicing and likely results in an absent or disrupted protein product. This variant is not present in population databases (ExAC no frequency). Disruption of this splice site has been observed in individual(s) with cerebral cavernous malformation (PMID: 28745674). Algorithms developed to predict the effect of sequence changes on RNA splicing suggest that this variant may disrupt the consensus splice site, but this prediction has not been confirmed by published transcriptional studies. Donor and acceptor splice site variants typically lead to a loss of protein function (PMID: 16199547), and loss-of-function variants in KRIT1 are known to be pathogenic (PMID: 10508515, 11222804, 12404106, 24689081). For these reasons, this variant has been classified as Pathogenic.

Literature cited by the submitters: PubMed 28745674; PubMed 16199547; PubMed 10508515; PubMed 11222804; PubMed 12404106; PubMed 24689081.

NM_194454.3(KRIT1):c.1819-1G>A

Gene: KRIT1 (KRIT1 ankyrin repeat containing; minus strand). Cytogenetic location: 7q21.2.
Variant type: single nucleotide variant.
Coding change: c.1819-1G>A on transcript NM_194454.3 (MANE Select); the canonical splice acceptor site of the intron before coding-DNA position 1819, G replaced by A.
Molecular consequence: splice acceptor variant.
Genome position (GRCh38, 1-based): chr7:92,213,402, C>T on the plus strand (G>A on the coding strand, the complement: KRIT1 is on the minus strand). VCF-style: chr7-92213402-C-T. GRCh37 (hg19) VCF-style: chr7-91842716-C-T.
Other names: c.1819-1G>A (NM_001350672.1, NM_001350676.1, NM_001350673.1 and 26 more transcripts); c.1675-1G>A (NM_001350669.1, NM_001013406.2, NM_001350670.1); c.1105-1G>A (NM_001350671.1).
Identifiers: ClinVar variation 971024 (VCV000971024.10), dbSNP rs1793304372, ClinGen allele CA368140744.